The following is an entry in ClinVar:

ClinVar aggregate classification (germline): Uncertain significance (1 of 4 stars; one submission).

Conditions:
Immunodeficiency 39 (IMD39). Identifiers: Orphanet 574918, MedGen C4225358, MONDO:0014597, OMIM 616345.

Submission:

Labcorp Genetics (formerly Invitae), Labcorp
Classification: Uncertain significance for Immunodeficiency 39. Last evaluated: 2024-03-23. Review status: criteria provided, single submitter. Criteria: Invitae Variant Classification Sherloc (09022015). Collection method: clinical testing. Allele origin: germline.
Comment: This sequence change replaces proline, which is neutral and non-polar, with alanine, which is neutral and non-polar, at codon 2 of the IRF7 protein (p.Pro2Ala). This variant is not present in population databases (gnomAD no frequency). This variant has not been reported in the literature in individuals affected with IRF7-related conditions. An algorithm developed to predict the effect of missense changes on protein structure and function (PolyPhen-2) suggests that this variant is likely to be disruptive. In summary, the available evidence is currently insufficient to determine the role of this variant in disease. Therefore, it has been classified as a Variant of Uncertain Significance.

NM_001572.5(IRF7):c.20+30C>G

Gene: IRF7 (interferon regulatory factor 7; minus strand). Cytogenetic location: 11p15.5.
Variant type: single nucleotide variant.
Coding change: c.20+30C>G on transcript NM_001572.5 (MANE Select); 30 bases into the intron after coding-DNA position 20, C replaced by G.
Molecular consequence: intron variant. On other transcripts: missense variant (1).
Genome position (GRCh38, 1-based): chr11:615,315, G>C on the plus strand (C>G on the coding strand, the complement: IRF7 is on the minus strand). VCF-style: chr11-615315-G-C. GRCh37 (hg19) VCF-style: chr11-615315-G-C.
Other names: c.4C>G, p.Pro2Ala (NM_004031.4); c.20+30C>G (NM_004029.4); short protein forms P2A.
Identifiers: ClinVar variation 2827770 (VCV002827770.3), dbSNP rs2493952665, ClinGen allele CA378985415.